The following is an entry in ClinVar:

NM_000071.3(CBS):c.1125C>T (p.Pro375=)

Gene: CBS (cystathionine beta-synthase; minus strand). Cytogenetic location: 21q22.3.
Variant type: single nucleotide variant.
Coding change: c.1125C>T on transcript NM_000071.3 (MANE Select); coding-DNA position 1125, C replaced by T.
Protein change: p.Pro375=; no amino-acid change (proline 375 retained).
Molecular consequence: synonymous variant.
Genome position (GRCh38, 1-based): chr21:43,060,461, G>A on the plus strand (C>T on the coding strand, the complement: CBS is on the minus strand). VCF-style: chr21-43060461-G-A. GRCh37 (hg19) VCF-style: chr21-44480571-G-A.
Other names: c.1125C>T, p.Pro375= (NM_001178008.3, NM_001178009.3, NM_001320298.2); c.810C>T, p.Pro270= (NM_001321072.1).
Identifiers: ClinVar variation 391444 (VCV000391444.21), dbSNP rs146180894, ClinGen allele CA16608081.

ClinVar aggregate classification (germline): Likely benign. Review status: criteria provided, multiple submitters, no conflicts (2 of 4 stars). 5 submissions from 5 submitters: Likely benign (4). 1 of the submissions does not count toward it. Last evaluated 2026-01-14.

Conditions:
Familial thoracic aortic aneurysm and aortic dissection (TAAD). Also called: Thoracic aortic aneurysms and dissections. Identifiers: Orphanet 91387, MedGen C4707243, MONDO:0019625.
CBS-related disorder. Also called: CBS-related condition.
HYPERHOMOCYSTEINEMIA, THROMBOTIC, CBS-RELATED. Identifiers: MedGen C3150344, OMIM 236200.

Allele frequency attached by ClinVar (database versions not stated): gnomAD exomes 0.00012 and 0.00022; ExAC 0.00022; gnomAD 0.00067; ESP Exome Variant Server 0.00077; TOPMed 0.00087; 1000 Genomes Project 0.00100.

Submissions (5):

Labcorp Genetics (formerly Invitae), Labcorp
Classification: Likely benign for HYPERHOMOCYSTEINEMIA, THROMBOTIC, CBS-RELATED. Last evaluated: 2026-01-14. Review status: criteria provided, single submitter. Criteria: Invitae Variant Classification Sherloc (09022015). Collection method: clinical testing. Allele origin: germline.

Women's Health and Genetics/Laboratory Corporation of America, LabCorp
Classification: Likely benign. Last evaluated: 2025-11-28. Review status: criteria provided, single submitter. Criteria: LabCorp Variant Classification Summary - May 2015. Collection method: clinical testing. Allele origin: germline.

GeneDx
Classification: Likely benign. Last evaluated: 2020-10-22. Review status: criteria provided, single submitter. Criteria: GeneDx Variant Classification Process June 2021. Collection method: clinical testing. Allele origin: germline. Affected: yes.

Ambry Genetics
Classification: Likely benign for Familial thoracic aortic aneurysm and aortic dissection. Last evaluated: 2017-11-03. Review status: criteria provided, single submitter. Criteria: Ambry Variant Classification Scheme 2023. Collection method: clinical testing. Allele origin: germline.

PreventionGenetics, part of Exact Sciences
Classification: Likely benign for CBS-related condition. Last evaluated: 2023-01-05. Review status: no assertion criteria provided. Collection method: clinical testing. Allele origin: germline. Not counted in ClinVar's aggregate classification.
Comment: This variant is classified as likely benign based on ACMG/AMP sequence variant interpretation guidelines (Richards et al. 2015 PMID: 25741868, with internal and published modifications).